The following is an entry in ClinVar:

ClinVar aggregate classification (germline): Pathogenic (1 of 4 stars; one submission).

Conditions:
Glycine encephalopathy. Also called: Nonketotic hyperglycinemia; Non-ketotic hyperglycinemia. Identifiers: Orphanet 407, MedGen C0751748, MONDO:0011612, HP:0008288.

Submission:

Labcorp Genetics (formerly Invitae), Labcorp
Classification: Pathogenic for Glycine encephalopathy. Last evaluated: 2023-01-11. Review status: criteria provided, single submitter. Criteria: Invitae Variant Classification Sherloc (09022015). Collection method: clinical testing. Allele origin: germline.
Comment: For these reasons, this variant has been classified as Pathogenic. This variant has not been reported in the literature in individuals affected with AMT-related conditions. This variant is not present in population databases (gnomAD no frequency). This sequence change creates a premature translational stop signal (p.Cys223*) in the AMT gene. It is expected to result in an absent or disrupted protein product. Loss-of-function variants in AMT are known to be pathogenic (PMID: 16450403).

Literature cited by the submitters: PubMed 16450403.

NM_000481.4(AMT):c.669T>A (p.Cys223Ter)

Gene: AMT (aminomethyltransferase; minus strand). Cytogenetic location: 3p21.31.
Variant type: single nucleotide variant.
Coding change: c.669T>A on transcript NM_000481.4 (MANE Select); coding-DNA position 669, T replaced by A.
Protein change: p.Cys223Ter; replaces cysteine 223 with a stop codon.
Molecular consequence: nonsense. On other transcripts: non-coding transcript variant (1).
Genome position (GRCh38, 1-based): chr3:49,419,287, A>T on the plus strand (T>A on the coding strand, the complement: AMT is on the minus strand). VCF-style: chr3-49419287-A-T. GRCh37 (hg19) VCF-style: chr3-49456720-A-T.
Other names: c.537T>A, p.Cys179Ter (NM_001164710.2); c.501T>A, p.Cys167Ter (NM_001164711.2); c.669T>A, p.Cys223Ter (NM_001164712.2); short protein forms C179*, C223*, C167*.
Identifiers: ClinVar variation 2827671 (VCV002827671.3), dbSNP rs2107932045, ClinGen allele CA352790102.
Genomic context (GRCh38, chr3:49,419,287, plus strand): 5'-CCTGTACTGCCCCCACACCACTTCTTGACACACCTCCACACCATCCTCTCCTGTGTAGCC[A>T]CAGCGGGTCACGCGGCAGCCAGACACGCCAAACACCTCCATCACAGCACTGGTCATGAAG-3'